The following is an entry in ClinVar:

Conditions:
Breast-ovarian cancer, familial, susceptibility to, 1 (BROVCA1). Also called: BRCA1 Hereditary Breast and Ovarian Cancer; OVARIAN CANCER, SUSCEPTIBILITY TO. Identifiers: Orphanet 145, MedGen C2676676, MONDO:0011450, OMIM 604370. Disease mechanism: loss of function.

Submission:

Brotman Baty Institute, University of Washington
No classification provided (evidence only). Condition: Breast-ovarian cancer, familial 1. Review status: no classification provided. Collection method: in vitro. Allele origin: not applicable. Functional consequence: functionally_normal.
ClinVar note: "not provided" was previously submitted as the classification for the variant. However, the classification appeared to be based only on an observation of functional data so it was converted to no classification on 2025-07-30.

NM_007294.4(BRCA1):c.5153-28T>G

Gene: BRCA1 (BRCA1 DNA repair associated; minus strand). Cytogenetic location: 17q21.31.
Variant type: single nucleotide variant.
Coding change: c.5153-28T>G on transcript NM_007294.4 (MANE Select); 28 bases into the intron before coding-DNA position 5153, T replaced by G.
Molecular consequence: intron variant.
Genome position (GRCh38, 1-based): chr17:43,063,401, A>C on the plus strand (T>G on the coding strand, the complement: BRCA1 is on the minus strand). VCF-style: chr17-43063401-A-C. GRCh37 (hg19) VCF-style: chr17-41215418-A-C.
Other names: c.1634-28T>G (NM_001408478.1, NM_001408480.1, NM_001408479.1); c.4940-28T>G (NM_001407907.1, NM_001407902.1, NM_001407897.1 and 12 more transcripts); c.4943-28T>G (NM_001407879.1, NM_001407882.1, NM_001407885.1 and 5 more transcripts); c.1715-28T>G (NM_001408450.1, NM_001408447.1, NM_001408446.1 and 2 more transcripts); c.1718-28T>G (NM_001408434.1, NM_001408440.1, NM_001408433.1 and 10 more transcripts); c.5027-28T>G (NM_001407672.1, NM_001407678.1, NM_001407673.1 and 10 more transcripts); c.1838-28T>G (NM_001408398.1, NM_001408400.1, NM_001408392.1 and 8 more transcripts); c.1841-28T>G (NM_001407992.1, NM_001407981.1, NM_007298.4 and 12 more transcripts); and 72 more.
Identifiers: ClinVar variation 867411 (VCV000867411.3), dbSNP rs2051878945, ClinGen allele CA916080108.